The following is an entry in ClinVar:

NM_170606.3(KMT2C):c.6120T>C (p.Pro2040=)

Gene: KMT2C (lysine methyltransferase 2C; minus strand). Cytogenetic location: 7q36.1.
Variant type: single nucleotide variant.
Coding change: c.6120T>C on transcript NM_170606.3 (MANE Select); coding-DNA position 6120, T replaced by C.
Protein change: p.Pro2040=; no amino-acid change (proline 2040 retained).
Molecular consequence: synonymous variant.
Genome position (GRCh38, 1-based): chr7:152,181,740, A>G on the plus strand (T>C on the coding strand, the complement: KMT2C is on the minus strand). VCF-style: chr7-152181740-A-G. GRCh37 (hg19) VCF-style: chr7-151878825-A-G.
Identifiers: ClinVar variation 3772147 (VCV003772147.13).

ClinVar aggregate classification (germline): Likely benign (1 of 4 stars; one submission).

Submission:

CeGaT Center for Human Genetics Tuebingen
Classification: Likely benign. Last evaluated: 2024-12-01. Review status: criteria provided, single submitter. Criteria: CeGaT Center For Human Genetics Tuebingen Variant Classification Criteria Version 2. Collection method: clinical testing. Allele origin: germline. Affected: yes. Observed: 1 variant allele.
Comment: KMT2C: PM2:Supporting, BP4, BP7